The following is an entry in ClinVar:

ClinVar aggregate classification (germline): Pathogenic (1 of 4 stars; one submission).

Conditions:
Peroxisome biogenesis disorder. Identifiers: Orphanet 79189, MedGen C1832200, MONDO:0019234. Disease mechanism: loss of function.

Submission:

Myriad Genetics, Inc.
Classification: Pathogenic for Peroxisome biogenesis disorder. Last evaluated: 2023-09-27. Review status: criteria provided, single submitter. Criteria: Myriad Autosomal Dominant, Autosomal Recessive and X-Linked Classification Criteria (2023). Collection method: clinical testing. Allele origin: unknown.
Comment: NM_000288.3(PEX7):c.89dupG(R31Pfs*25) is expected to be pathogenic in the context of PEX7-related disorders. This variant is predicted to lead to an abnormal or absent protein product due to the creation of a premature termination codon in PEX7, a gene where loss-of-function variants are known to be pathogenic. Please note: this variant was assessed in the context of healthy population screening.

NM_000288.4(PEX7):c.89dup (p.Arg31fs)

Gene: PEX7 (peroxisomal biogenesis factor 7; plus strand). Cytogenetic location: 6q23.3.
Variant type: Duplication.
Coding change: c.89dup on transcript NM_000288.4 (MANE Select); coding-DNA position 89, one base duplicated (G; older notation c.89dupG).
Protein change: p.Arg31fs; shifts the reading frame from arginine 31.
Molecular consequence: frameshift variant.
Genome position (GRCh38, 1-based): chr6:136,822,754, G duplicated; the last of 3 consecutive G bases (chr6:136,822,752-136,822,754); duplicating any one gives the same sequence. VCF-style (leftmost placement, unchanged base first): chr6-136822751-C-CG. GRCh37 (hg19) VCF-style: chr6-137143889-C-CG.
Other names: short protein forms R31fs.
Identifiers: ClinVar variation 5012040 (VCV005012040.1).